The following is an entry in ClinVar:

ClinVar aggregate classification (germline): Uncertain significance (1 of 4 stars; one submission).

Submission:

Labcorp Genetics (formerly Invitae), Labcorp
Classification: Uncertain significance. Last evaluated: 2021-12-02. Review status: criteria provided, single submitter. Criteria: Invitae Variant Classification Sherloc (09022015). Collection method: clinical testing. Allele origin: germline.
Comment: In summary, the available evidence is currently insufficient to determine the role of this variant in disease. Therefore, it has been classified as a Variant of Uncertain Significance. Algorithms developed to predict the effect of missense changes on protein structure and function (SIFT, PolyPhen-2, Align-GVGD) all suggest that this variant is likely to be disruptive. This variant has not been reported in the literature in individuals affected with RNF216-related conditions. This variant is present in population databases (rs374914168, gnomAD 0.0009%). This sequence change replaces proline, which is neutral and non-polar, with serine, which is neutral and polar, at codon 683 of the RNF216 protein (p.Pro683Ser).

NM_207111.4(RNF216):c.2047C>T (p.Pro683Ser)

Gene: RNF216 (ring finger protein 216; minus strand). Cytogenetic location: 7p22.1.
Variant type: single nucleotide variant.
Coding change: c.2047C>T on transcript NM_207111.4 (MANE Select); coding-DNA position 2047, C replaced by T.
Protein change: p.Pro683Ser; replaces proline 683 with serine.
Molecular consequence: missense variant.
Genome position (GRCh38, 1-based): chr7:5,711,775, G>A on the plus strand (C>T on the coding strand, the complement: RNF216 is on the minus strand). VCF-style: chr7-5711775-G-A. GRCh37 (hg19) VCF-style: chr7-5751406-G-A.
Other names: c.1876C>T, p.Pro626Ser (NM_001377156.1, NM_207116.3); short protein forms P683S, P626S.
Identifiers: ClinVar variation 1347442 (VCV001347442.8), dbSNP rs374914168, ClinGen allele CA4147939.